The following is an entry in ClinVar:

NM_000392.5(ABCC2):c.1815+4G>A

Gene: ABCC2 (ATP binding cassette subfamily C member 2; plus strand). Cytogenetic location: 10q24.2.
Variant type: single nucleotide variant.
Coding change: c.1815+4G>A on transcript NM_000392.5 (MANE Select); 4 bases into the intron after coding-DNA position 1815, G replaced by A.
Molecular consequence: intron variant.
Genome position (GRCh38, 1-based): chr10:99,808,233, G>A. VCF-style: chr10-99808233-G-A. GRCh37 (hg19) VCF-style: chr10-101567990-G-A.
Other names: c.1815+4G>A (LRG_1208t1).
Identifiers: ClinVar variation 298453 (VCV000298453.13), dbSNP rs574319283, ClinGen allele CA5643283.

ClinVar aggregate classification (germline): Benign/Likely benign. Review status: criteria provided, multiple submitters, no conflicts (2 of 4 stars). 3 submissions from 3 submitters: Benign (2); Likely benign (1). Last evaluated 2026-04-24.

Conditions:
ABCC2-related disorder. Also called: ABCC2-related condition.
Dubin-Johnson syndrome (DJS). Also called: HYPERBILIRUBINEMIA, DUBIN-JOHNSON TYPE; Jaundice, Chronic Idiopathic; Hyperbilirubinemia type 2. Identifiers: Orphanet 234, MedGen C0022350, MONDO:0009380, OMIM 237500.

Allele frequency attached by ClinVar (database versions not stated): gnomAD 0.00001 and 0.00056; TOPMed 0.00012; gnomAD exomes 0.00239; ExAC 0.00279; 1000 Genomes Project 30x 0.00359; 1000 Genomes Project 0.00419.
gnomAD v4.1: 1,683 of 1,613,984 alleles (0.1%); highest among the groups gnomAD compares: South Asian, 1.8%; 26 homozygotes.

Submissions (3):

PreventionGenetics, part of Exact Sciences
Classification: Likely benign for ABCC2-related condition. Last evaluated: 2026-04-24. Review status: criteria provided, single submitter. Criteria: ACMG Guidelines, 2015. Collection method: clinical testing. Allele origin: germline.
Comment: This variant is classified as likely benign based on ACMG/AMP sequence variant interpretation guidelines (Richards et al. 2015 PMID: 25741868, with internal and published modifications).

Labcorp Genetics (formerly Invitae), Labcorp
Classification: Benign. Last evaluated: 2026-01-21. Review status: criteria provided, single submitter. Criteria: Invitae Variant Classification Sherloc (09022015). Collection method: clinical testing. Allele origin: germline.

Illumina Laboratory Services, Illumina
Classification: Benign for Dubin-Johnson syndrome. Last evaluated: 2018-01-13. Review status: criteria provided, single submitter. Criteria: ICSL Variant Classification Criteria 13 December 2019. Collection method: clinical testing. Allele origin: germline.
Comment: This variant was observed in the ICSL laboratory as part of a predisposition screen in an ostensibly healthy population. It had not been previously curated by ICSL or reported in the Human Gene Mutation Database (HGMD: prior to June 1st, 2018), and was therefore a candidate for classification through an automated scoring system. Utilizing variant allele frequency, disease prevalence and penetrance estimates, and inheritance mode, an automated score was calculated to assess if this variant is too frequent to cause the disease. Based on the score and internal cut-off values, a variant classified as benign is not then subjected to further curation. The score for this variant resulted in a classification of benign for this disease.